The following is an entry in ClinVar:

NM_015599.3(PGM3):c.809A>G (p.Glu270Gly)

Gene: PGM3 (phosphoglucomutase 3; minus strand). Cytogenetic location: 6q14.1.
Variant type: single nucleotide variant.
Coding change: c.809A>G on transcript NM_015599.3 (MANE Select); coding-DNA position 809, A replaced by G.
Protein change: p.Glu270Gly; replaces glutamic acid 270 with glycine.
Molecular consequence: missense variant. On other transcripts: non-coding transcript variant (1).
Genome position (GRCh38, 1-based): chr6:83,179,946, T>C on the plus strand (A>G on the coding strand, the complement: PGM3 is on the minus strand). VCF-style: chr6-83179946-T-C. GRCh37 (hg19) VCF-style: chr6-83889665-T-C.
Other names: c.893A>G, p.Glu298Gly (NM_001199917.2, NM_001367287.1); c.566A>G, p.Glu189Gly (NM_001199918.2); c.809A>G, p.Glu270Gly (NM_001199919.2, NM_001367286.1); short protein forms E270G, E298G, E189G.
Identifiers: ClinVar variation 2105307 (VCV002105307.4), dbSNP rs2538123354, ClinGen allele CA364881730.

ClinVar aggregate classification (germline): Uncertain significance (1 of 4 stars; one submission).

Conditions:
Immunodeficiency 23 (IMD23). Also called: IMMUNODEFICIENCY WITH HYPER IgE AND COGNITIVE IMPAIRMENT; IMMUNODEFICIENCY-VASCULITIS-MYOCLONUS SYNDROME. Identifiers: Orphanet 443811, MedGen C4014371, MONDO:0014353, OMIM 615816.

Submission:

Labcorp Genetics (formerly Invitae), Labcorp
Classification: Uncertain significance for Immunodeficiency 23. Last evaluated: 2024-11-06. Review status: criteria provided, single submitter. Criteria: Invitae Variant Classification Sherloc (09022015). Collection method: clinical testing. Allele origin: germline.
Comment: This sequence change replaces glutamic acid, which is acidic and polar, with glycine, which is neutral and non-polar, at codon 298 of the PGM3 protein (p.Glu298Gly). This variant is not present in population databases (gnomAD no frequency). This variant has not been reported in the literature in individuals affected with PGM3-related conditions. ClinVar contains an entry for this variant (Variation ID: 2105307). An algorithm developed to predict the effect of missense changes on protein structure and function (PolyPhen-2) suggests that this variant is likely to be tolerated. In summary, the available evidence is currently insufficient to determine the role of this variant in disease. Therefore, it has been classified as a Variant of Uncertain Significance.